The following continues an entry in ClinVar:

NM_000492.4(CFTR):c.1727G>C (p.Gly576Ala)

Gene: CFTR. ClinVar aggregate classification (germline): Conflicting classifications of pathogenicity. Pathogenic (1); Uncertain significance (12); Benign (5); Likely benign (5).

Submissions 24 to 29 of 29:

Genome Diagnostics Laboratory, The Hospital for Sick Children
Classification: Uncertain significance for CFTR-related disorders. Last evaluated: 2020-09-16. Review status: no assertion criteria provided. Collection method: clinical testing. Allele origin: germline. Not counted in ClinVar's aggregate classification.

Counsyl
Classification: Likely benign for Cystic fibrosis. Last evaluated: 2017-11-19. Review status: no assertion criteria provided. Collection method: clinical testing. Allele origin: unknown. Not counted in ClinVar's aggregate classification.

Natera, Inc.
Classification: Uncertain significance for Cystic Fibrosis. Last evaluated: 2017-07-01. Review status: no assertion criteria provided. Collection method: clinical testing. Allele origin: germline. Not counted in ClinVar's aggregate classification.

Clinical Molecular Genetics Laboratory, Johns Hopkins All Children's Hospital
Classification: Uncertain significance for Chronic sinusitis. Last evaluated: 2015-05-14. Review status: no assertion criteria provided. Collection method: clinical testing. Allele origin: germline. Affected: yes. Not counted in ClinVar's aggregate classification.
Comment: c.1727G>C and c.2002C>T found in cis

Clinical Molecular Genetics Laboratory, Johns Hopkins All Children's Hospital
Classification: Uncertain significance. Last evaluated: 2015-05-14. Review status: no assertion criteria provided. Collection method: clinical testing. Allele origin: germline. Affected: yes. Not counted in ClinVar's aggregate classification.
Comment: the same text as in the submission from Clinical Molecular Genetics Laboratory, Johns Hopkins All Children's Hospital above.

OMIM
Classification: Pathogenic for VAS DEFERENS, CONGENITAL BILATERAL ABSENCE OF. Last evaluated: 1992-04-01. Review status: flagged submission. Collection method: literature only. Allele origin: germline. Not counted in ClinVar's aggregate classification.
ClinVar note: Reason: Older and outlier claim with insufficient supporting evidence

Literature cited by the submitters: PubMed 12719375 (cited by 6 submitters); PubMed 1545465 (cited by 5 submitters); PubMed 21520337 (cited by Ambry Genetics and Quest Diagnostics Nichols Institute San Juan Capistrano); PubMed 22678879 (cited by 5 submitters); PubMed 23974870 (cited by 5 submitters); PubMed 24586523 (cited by Ambry Genetics and Quest Diagnostics Nichols Institute San Juan Capistrano); PubMed 25489051 (cited by 3 submitters); PubMed 25797027 (cited by 3 submitters); PubMed 25824995 (cited by 3 submitters); PubMed 29589582 (cited by Ambry Genetics and Quest Diagnostics Nichols Institute San Juan Capistrano); PubMed 36409994 (cited by Quest Diagnostics Nichols Institute San Juan Capistrano); PubMed 39262237 (cited by Quest Diagnostics Nichols Institute San Juan Capistrano); PubMed 37628659 (cited by Quest Diagnostics Nichols Institute San Juan Capistrano); PubMed 33341408 (cited by Quest Diagnostics Nichols Institute San Juan Capistrano and Women's Health and Genetics/Laboratory Corporation of America, LabCorp); PubMed 33260873 (cited by Quest Diagnostics Nichols Institute San Juan Capistrano and Women's Health and Genetics/Laboratory Corporation of America, LabCorp); PubMed 33020115 (cited by Quest Diagnostics Nichols Institute San Juan Capistrano and Women's Health and Genetics/Laboratory Corporation of America, LabCorp); PubMed 32784480 (cited by Quest Diagnostics Nichols Institute San Juan Capistrano and Women's Health and Genetics/Laboratory Corporation of America, LabCorp); PubMed 31005549 (cited by Quest Diagnostics Nichols Institute San Juan Capistrano and Women's Health and Genetics/Laboratory Corporation of America, LabCorp); PubMed 28801929 (cited by Quest Diagnostics Nichols Institute San Juan Capistrano and Women's Health and Genetics/Laboratory Corporation of America, LabCorp); PubMed 17329263 (cited by Quest Diagnostics Nichols Institute San Juan Capistrano and Women's Health and Genetics/Laboratory Corporation of America, LabCorp); PubMed 10922395 (cited by Quest Diagnostics Nichols Institute San Juan Capistrano and Women's Health and Genetics/Laboratory Corporation of America, LabCorp); PubMed 10875853 (cited by Quest Diagnostics Nichols Institute San Juan Capistrano and Women's Health and Genetics/Laboratory Corporation of America, LabCorp); PubMed 8644755 (cited by Quest Diagnostics Nichols Institute San Juan Capistrano and Women's Health and Genetics/Laboratory Corporation of America, LabCorp); PubMed 35527187 (cited by Quest Diagnostics Nichols Institute San Juan Capistrano); PubMed 35626323 (cited by Quest Diagnostics Nichols Institute San Juan Capistrano); PubMed 34996830 (cited by Quest Diagnostics Nichols Institute San Juan Capistrano); PubMed 35418593 (cited by Quest Diagnostics Nichols Institute San Juan Capistrano); PubMed 36552859 (cited by Quest Diagnostics Nichols Institute San Juan Capistrano); PubMed 36102402 (cited by Quest Diagnostics Nichols Institute San Juan Capistrano); PubMed 38388235 (cited by Quest Diagnostics Nichols Institute San Juan Capistrano); PubMed 39062917 (cited by Quest Diagnostics Nichols Institute San Juan Capistrano); PubMed 36834620 (cited by Quest Diagnostics Nichols Institute San Juan Capistrano); PubMed 38203285 (cited by Quest Diagnostics Nichols Institute San Juan Capistrano); PubMed 36828084 (cited by Quest Diagnostics Nichols Institute San Juan Capistrano); PubMed 37147251 (cited by Quest Diagnostics Nichols Institute San Juan Capistrano); PubMed 7543317 (cited by 3 submitters); PubMed 9272157 (cited by 3 submitters); PubMed 18456578 (cited by Quest Diagnostics Nichols Institute San Juan Capistrano); PubMed 19910374 (cited by Quest Diagnostics Nichols Institute San Juan Capistrano); PubMed 10653145 (cited by Quest Diagnostics Nichols Institute San Juan Capistrano and Women's Health and Genetics/Laboratory Corporation of America, LabCorp); PubMed 28194692 (cited by Quest Diagnostics Nichols Institute San Juan Capistrano); PubMed 28603918 (cited by Quest Diagnostics Nichols Institute San Juan Capistrano); PubMed 26990548 (cited by Quest Diagnostics Nichols Institute San Juan Capistrano); PubMed 34426522 (cited by Quest Diagnostics Nichols Institute San Juan Capistrano and Women's Health and Genetics/Laboratory Corporation of America, LabCorp); PubMed 26014425 (cited by Quest Diagnostics Nichols Institute San Juan Capistrano and Counsyl); PubMed 20706124 (cited by Quest Diagnostics Nichols Institute San Juan Capistrano); PubMed 19812525 (cited by Quest Diagnostics Nichols Institute San Juan Capistrano and Women's Health and Genetics/Laboratory Corporation of America, LabCorp); PubMed 17489851 (cited by Quest Diagnostics Nichols Institute San Juan Capistrano and Women's Health and Genetics/Laboratory Corporation of America, LabCorp); PubMed 17331079 (cited by Quest Diagnostics Nichols Institute San Juan Capistrano and Women's Health and Genetics/Laboratory Corporation of America, LabCorp); PubMed 16189704 (cited by Quest Diagnostics Nichols Institute San Juan Capistrano); PubMed 16128988 (cited by Quest Diagnostics Nichols Institute San Juan Capistrano and Women's Health and Genetics/Laboratory Corporation of America, LabCorp); PubMed 15987793 (cited by Quest Diagnostics Nichols Institute San Juan Capistrano); PubMed 15705292 (cited by Quest Diagnostics Nichols Institute San Juan Capistrano); PubMed 15151509 (cited by Quest Diagnostics Nichols Institute San Juan Capistrano); PubMed 12127423 (cited by Quest Diagnostics Nichols Institute San Juan Capistrano); PubMed 20021716 (cited by Quest Diagnostics Nichols Institute San Juan Capistrano and Women's Health and Genetics/Laboratory Corporation of America, LabCorp); PubMed 23951356 (cited by Quest Diagnostics Nichols Institute San Juan Capistrano); PubMed 20460946 (cited by 3 submitters); PubMed 12940920 (cited by Quest Diagnostics Nichols Institute San Juan Capistrano); PubMed 17413420 (cited by Quest Diagnostics Nichols Institute San Juan Capistrano); PubMed 10653141 (cited by Quest Diagnostics Nichols Institute San Juan Capistrano and Women's Health and Genetics/Laboratory Corporation of America, LabCorp); PubMed 1379210 (cited by Quest Diagnostics Nichols Institute San Juan Capistrano and Women's Health and Genetics/Laboratory Corporation of America, LabCorp); PubMed 18716917 (cited by Counsyl).